The following is an entry in ClinVar:

NM_002225.5(IVD):c.379G>A (p.Gly127Ser)

Gene: IVD (isovaleryl-CoA dehydrogenase; plus strand). Cytogenetic location: 15q15.1.
Variant type: single nucleotide variant.
Coding change: c.379G>A on transcript NM_002225.5 (MANE Select); coding-DNA position 379, G replaced by A.
Protein change: p.Gly127Ser; replaces glycine 127 with serine.
Molecular consequence: missense variant. On other transcripts: non-coding transcript variant (1).
Genome position (GRCh38, 1-based): chr15:40,410,720, G>A. VCF-style: chr15-40410720-G-A. GRCh37 (hg19) VCF-style: chr15-40702919-G-A.
Other names: c.289G>A, p.Gly97Ser (NM_001159508.3); c.331G>A, p.Gly111Ser (NM_001354597.3); c.379G>A, p.Gly127Ser (NM_001354598.3, NM_001354601.3); c.466G>A, p.Gly156Ser (NM_001354599.3, NM_001354600.3); short protein forms G111S, G127S, G156S, G97S.
Identifiers: ClinVar variation 2151165 (VCV002151165.1), dbSNP rs754570116, ClinGen allele CA7480608.

ClinVar aggregate classification (germline): Uncertain significance (1 of 4 stars; one submission).

Conditions:
Isovaleryl-CoA dehydrogenase deficiency (IVA). Also called: IVD DEFICIENCY; Classic Isovaleric Acidemia; ISOVALERIC ACID CoA DEHYDROGENASE DEFICIENCY; Isovaleric acidemia. Identifiers: Orphanet 33, MedGen C0268575, MONDO:0009475, OMIM 243500.

Allele frequency attached by ClinVar (database versions not stated): ExAC 0.00002; TOPMed 0.00002; gnomAD 0.00003.
gnomAD v4.1: 14 of 1,614,056 alleles (0.00087%); highest among the groups gnomAD compares: African/African-American, 0.004%; no homozygotes.

Submission:

Labcorp Genetics (formerly Invitae), Labcorp
Classification: Uncertain significance for Isovaleryl-CoA dehydrogenase deficiency. Last evaluated: 2022-07-09. Review status: criteria provided, single submitter. Criteria: Invitae Variant Classification Sherloc (09022015). Collection method: clinical testing. Allele origin: germline.
Comment: This sequence change replaces glycine, which is neutral and non-polar, with serine, which is neutral and polar, at codon 130 of the IVD protein (p.Gly130Ser). This variant is present in population databases (rs754570116, gnomAD 0.007%). This missense change has been observed in individual(s) with isovaleric acidemia (Invitae). Algorithms developed to predict the effect of missense changes on protein structure and function (SIFT, PolyPhen-2, Align-GVGD) all suggest that this variant is likely to be disruptive. In summary, the available evidence is currently insufficient to determine the role of this variant in disease. Therefore, it has been classified as a Variant of Uncertain Significance.